The following is an entry in ClinVar:

NM_022051.3(EGLN1):c.1129C>G (p.Gln377Glu)

Gene: EGLN1 (egl-9 family hypoxia inducible factor 1; minus strand). Cytogenetic location: 1q42.2.
Variant type: single nucleotide variant.
Coding change: c.1129C>G on transcript NM_022051.3 (MANE Select); coding-DNA position 1129, C replaced by G.
Protein change: p.Gln377Glu; replaces glutamine 377 with glutamic acid.
Molecular consequence: missense variant. On other transcripts: intron variant (1).
Genome position (GRCh38, 1-based): chr1:231,370,581, G>C on the plus strand (C>G on the coding strand, the complement: EGLN1 is on the minus strand). VCF-style: chr1-231370581-G-C. GRCh37 (hg19) VCF-style: chr1-231506327-G-C.
Other names: c.1129C>G, p.Gln377Glu (NM_001377260.1); c.1012-2945C>G (NM_001377261.1); short protein forms Q377E.
Identifiers: ClinVar variation 2565126 (VCV002565126.4), dbSNP rs1687795071, ClinGen allele CA345240091.

ClinVar aggregate classification (germline): Uncertain significance. Review status: criteria provided, multiple submitters, no conflicts (2 of 4 stars). 2 submissions from 2 submitters: Uncertain significance (2). Last evaluated 2025-04-17.

Conditions:
Erythrocytosis, familial, 3 (ECYT3). Identifiers: Orphanet 247511, MedGen C1853286, MONDO:0012353, OMIM 609820.

Submissions (2):

Ambry Genetics
Classification: Uncertain significance. Last evaluated: 2025-04-17. Review status: criteria provided, single submitter. Criteria: Ambry Variant Classification Scheme 2023. Collection method: clinical testing. Allele origin: germline.
Comment: The p.Q377E variant (also known as c.1129C>G), located in coding exon 3 of the EGLN1 gene, results from a C to G substitution at nucleotide position 1129. The glutamine at codon 377 is replaced by glutamic acid, an amino acid with highly similar properties. This amino acid position is conserved. In addition, this alteration is predicted to be tolerated by in silico analysis. Since supporting evidence is limited at this time, the clinical significance of this alteration remains unclear.

Labcorp Genetics (formerly Invitae), Labcorp
Classification: Uncertain significance for Erythrocytosis, familial, 3. Last evaluated: 2025-03-31. Review status: criteria provided, single submitter. Criteria: Invitae Variant Classification Sherloc (09022015). Collection method: clinical testing. Allele origin: germline.
Comment: This sequence change replaces glutamine, which is neutral and polar, with glutamic acid, which is acidic and polar, at codon 377 of the EGLN1 protein (p.Gln377Glu). This variant is not present in population databases (gnomAD no frequency). This variant has not been reported in the literature in individuals affected with EGLN1-related conditions. ClinVar contains an entry for this variant (Variation ID: 2565126). An algorithm developed to predict the effect of missense changes on protein structure and function (PolyPhen-2) suggests that this variant is likely to be tolerated. In summary, the available evidence is currently insufficient to determine the role of this variant in disease. Therefore, it has been classified as a Variant of Uncertain Significance.